The following is an entry in ClinVar:

NM_004370.6(COL12A1):c.8265+2T>C

Gene: COL12A1 (collagen type XII alpha 1 chain; minus strand). Cytogenetic location: 6q13.
Variant type: single nucleotide variant.
Coding change: c.8265+2T>C on transcript NM_004370.6 (MANE Select); the canonical splice donor site of the intron after coding-DNA position 8265, T replaced by C.
Molecular consequence: splice donor variant.
Genome position (GRCh38, 1-based): chr6:75,105,204, A>G on the plus strand (T>C on the coding strand, the complement: COL12A1 is on the minus strand). VCF-style: chr6-75105204-A-G. GRCh37 (hg19) VCF-style: chr6-75814920-A-G.
Other names: c.4773+2T>C (NM_080645.3).
Identifiers: ClinVar variation 422418 (VCV000422418.2), dbSNP rs1064795770, ClinGen allele CA16618306.

ClinVar aggregate classification (germline): Likely pathogenic (1 of 4 stars; one submission).

Submission:

GeneDx
Classification: Likely pathogenic. Last evaluated: 2016-10-18. Review status: criteria provided, single submitter. Criteria: GeneDx Variant Classification (06012015). Collection method: clinical testing. Allele origin: germline. Affected: yes.
Comment: The c.8265+2T>C variant in the COL12A1 gene has not been reported previously as a pathogenic variant, nor as a benign variant, to our knowledge. This splice site variant destroys the canonical splice donor site in intron 54. It is predicted to cause abnormal gene splicing, either leading to an abnormal message that is subject to nonsense-mediated mRNA decay, or to an abnormal protein product if the message is used for protein translation. The c.8265+2T>C variant was not observed in approximately 6,000 individuals of European and African American ancestry in the NHLBI Exome Sequencing Project, indicating it is not a common benign variant in these populations. Therefore, we interpret c.8265+2T>C as a likely pathogenic variant.